The following is an entry in ClinVar:

NM_000834.5(GRIN2B):c.2325G>C (p.Gln775His)

Gene: GRIN2B (glutamate ionotropic receptor NMDA type subunit 2B; minus strand). Cytogenetic location: 12p13.1.
Variant type: single nucleotide variant.
Coding change: c.2325G>C on transcript NM_000834.5 (MANE Select); coding-DNA position 2325, G replaced by C.
Protein change: p.Gln775His; replaces glutamine 775 with histidine.
Molecular consequence: missense variant.
Genome position (GRCh38, 1-based): chr12:13,569,864, C>G on the plus strand (G>C on the coding strand, the complement: GRIN2B is on the minus strand). VCF-style: chr12-13569864-C-G. GRCh37 (hg19) VCF-style: chr12-13722798-C-G.
Other names: short protein forms Q775H.
Identifiers: ClinVar variation 833704 (VCV000833704.14), dbSNP rs774981179, ClinGen allele CA6461084.
Genomic context (GRCh38, chr12:13,569,864, plus strand): 5'-GGGCACTTTCCCTTTCTTGAACTCACCATCTCCAAAGAGCTGCAGGATAGCAAGGTCCAC[C>G]TGGCGCTTCCACCCAGAATCTTTTTGGATGGCAATGCCATAGCCAGTGGAAGCAAAGACC-3'
Protein context (NP_000825.2, residues 765-785): AIQKDSGWKR[Gln775His]VDLAILQLFG

ClinVar aggregate classification (germline): Conflicting classifications of pathogenicity. Review status: criteria provided, conflicting classifications (1 of 4 stars). 2 submissions from 2 submitters: Uncertain significance (1); Benign (1). Last evaluated 2026-02-01.

Conditions:
Intellectual developmental disorder, autosomal dominant 6, with or without seizures. Also called: Intellectual disability, autosomal dominant 6; GRIN2B-related developmental delay, intellectual disability and autism spectrum disorder. Identifiers: Orphanet 589547, MedGen C3151411, MONDO:0013509, OMIM 613970.
Developmental and epileptic encephalopathy, 27 (DEE27). Also called: GRIN2B-Related Neurodevelopmental Disorder; Epileptic encephalopathy, early infantile, 27. Identifiers: Orphanet 3451, MedGen C4015316, MONDO:0014505, OMIM 616139.

Allele frequency attached by ClinVar (database versions not stated): gnomAD exomes 0.00001; ExAC 0.00002.
gnomAD v4.1: 13 of 1,610,970 alleles (0.00081%); highest among the groups gnomAD compares: South Asian, 0.0011%; no homozygotes.

Submissions (2):

CeGaT Center for Human Genetics Tuebingen
Classification: Uncertain significance. Last evaluated: 2026-02-01. Review status: criteria provided, single submitter. Criteria: CeGaT Center For Human Genetics Tuebingen Variant Classification Criteria Version 2. Collection method: clinical testing. Allele origin: germline. Affected: yes. Observed: 1 variant allele.
Comment: GRIN2B: PP2

Labcorp Genetics (formerly Invitae), Labcorp
Classification: Benign for Developmental and epileptic encephalopathy, 27; Intellectual developmental disorder, autosomal dominant 6, with or without seizures. Last evaluated: 2026-01-05. Review status: criteria provided, single submitter. Criteria: Invitae Variant Classification Sherloc (09022015). Collection method: clinical testing. Allele origin: germline.